The following is an entry in ClinVar:

NM_001388492.1(HTT):c.7220G>A (p.Ser2407Asn)

Gene: HTT (huntingtin; plus strand). Cytogenetic location: 4p16.3.
Variant type: single nucleotide variant.
Coding change: c.7220G>A on transcript NM_001388492.1 (MANE Select); coding-DNA position 7220, G replaced by A.
Protein change: p.Ser2407Asn; replaces serine 2407 with asparagine.
Molecular consequence: missense variant.
Genome position (GRCh38, 1-based): chr4:3,217,930, G>A. VCF-style: chr4-3217930-G-A. GRCh37 (hg19) VCF-style: chr4-3219657-G-A.
Other names: c.7226G>A, p.Ser2409Asn (NM_002111.8); short protein forms S2407N, S2409N.
Identifiers: ClinVar variation 1395834 (VCV001395834.6), dbSNP rs1204691049, ClinGen allele CA356095941.
Genomic context (GRCh38, chr4:3,217,930, plus strand): 5'-TTCTCACGCCATTGCTAAGGAACATCATCATCAGCCTGGCCCGCCTGCCCCTTGTCAACA[G>A]CTACACACGTGTGCCCCCACTGGTGAGTCTGCTCGTTCCTTGCAGAAGACCAAGTACGGT-3'
Protein context (NP_001375421.1, residues 2397-2417): ISLARLPLVN[Ser2407Asn]YTRVPPLVWK

ClinVar aggregate classification (germline): Uncertain significance (1 of 4 stars; one submission).

Allele frequency attached by ClinVar (database versions not stated): gnomAD exomes below 0.00001; gnomAD 0.00001; TOPMed 0.00001.
gnomAD v4.1: 4 of 1,612,246 alleles (0.00025%); highest among the groups gnomAD compares: Non-Finnish European, 0.00034%; no homozygotes.

Submission:

Labcorp Genetics (formerly Invitae), Labcorp
Classification: Uncertain significance. Last evaluated: 2021-01-13. Review status: criteria provided, single submitter. Criteria: Invitae Variant Classification Sherloc (09022015). Collection method: clinical testing. Allele origin: germline.
Comment: This variant has not been reported in the literature in individuals with HTT-related conditions. This variant is not present in population databases (ExAC no frequency). This sequence change replaces serine with asparagine at codon 2409 of the HTT protein (p.Ser2409Asn). The serine residue is highly conserved and there is a small physicochemical difference between serine and asparagine. Experimental studies and prediction algorithms are not available or were not evaluated, and the functional significance of this variant is currently unknown. In summary, the available evidence is currently insufficient to determine the role of this variant in disease. Therefore, it has been classified as a Variant of Uncertain Significance.